The following is an entry in ClinVar:

ClinVar aggregate classification (germline): Uncertain significance. Review status: criteria provided, multiple submitters, no conflicts (2 of 4 stars). 3 submissions from 3 submitters: Uncertain significance (3). Last evaluated 2024-09-21.

Conditions:
Epidermolysis bullosa simplex 3, localized or generalized intermediate, with BP230 deficiency (EBS3). Also called: Epidermolysis bullosa simplex, autosomal recessive 2; Epidermolysis bullosa simplex due to BP230 deficiency. Identifiers: Orphanet 412181, MedGen C3809470, MONDO:0014180, OMIM 615425.
Hereditary sensory and autonomic neuropathy type 6. Also called: HSAN VI; Neuropathy, hereditary sensory and autonomic, type VI. Identifiers: Orphanet 314381, MedGen C3539003, MONDO:0013839, OMIM 614653.
Inborn genetic diseases. Identifiers: MedGen C0950123, MeSH D030342.

Allele frequency attached by ClinVar (database versions not stated): ExAC 0.00001; gnomAD exomes 0.00004; TOPMed 0.00001.
gnomAD v4.1: 51 of 1,613,982 alleles (0.0032%); highest among the groups gnomAD compares: Middle Eastern, 0.033%; no homozygotes.

Submissions (3):

GeneDx
Classification: Uncertain significance. Last evaluated: 2024-09-21. Review status: criteria provided, single submitter. Criteria: GeneDx Variant Classification Process June 2021. Collection method: clinical testing. Allele origin: germline.
Comment: Has not been previously published as pathogenic or benign to our knowledge; Reported using an alternate transcript of the gene; In silico analysis indicates that this missense variant does not alter protein structure/function

Labcorp Genetics (formerly Invitae), Labcorp
Classification: Uncertain significance for Epidermolysis bullosa simplex 3, localized or generalized intermediate, with BP230 deficiency; Hereditary sensory and autonomic neuropathy type 6. Last evaluated: 2022-01-02. Review status: criteria provided, single submitter. Criteria: Invitae Variant Classification Sherloc (09022015). Collection method: clinical testing. Allele origin: germline.
Comment: The DST gene has multiple clinically relevant transcripts. This variant occurs in alternate transcript NM_015548.4, and corresponds to NM_001723.5:c.*62414A>G in the primary transcript. This sequence change replaces asparagine, which is neutral and polar, with serine, which is neutral and polar, at codon 2607 of the DST protein (p.Asn2607Ser). This variant is present in population databases (rs745992442, gnomAD 0.004%). This variant has not been reported in the literature in individuals affected with DST-related conditions. Experimental studies and prediction algorithms are not available or were not evaluated, and the functional significance of this variant is currently unknown. In summary, the available evidence is currently insufficient to determine the role of this variant in disease. Therefore, it has been classified as a Variant of Uncertain Significance.

Ambry Genetics
Classification: Uncertain significance for Inborn genetic diseases. Last evaluated: 2021-04-13. Review status: criteria provided, single submitter. Criteria: Ambry Variant Classification Scheme 2023. Collection method: clinical testing. Allele origin: germline.
Comment: The p.N3111S variant (also known as c.9332A>G), located in coding exon 55 of the DST gene, results from an A to G substitution at nucleotide position 9332. The asparagine at codon 3111 is replaced by serine, an amino acid with highly similar properties. This amino acid position is not well conserved in available vertebrate species, and serine is the reference amino acid in other vertebrate species. In addition, this alteration is predicted to be tolerated by in silico analysis. Since supporting evidence is limited at this time, the clinical significance of this alteration remains unclear.

NM_001374736.1(DST):c.15689A>G (p.Asn5230Ser)

Gene: DST (dystonin; minus strand). Cytogenetic location: 6p12.1.
Variant type: single nucleotide variant.
Coding change: c.15689A>G on transcript NM_001374736.1 (MANE Select); coding-DNA position 15689, A replaced by G.
Protein change: p.Asn5230Ser; replaces asparagine 5230 with serine.
Molecular consequence: missense variant.
Genome position (GRCh38, 1-based): chr6:56,553,103, T>C on the plus strand (A>G on the coding strand, the complement: DST is on the minus strand). VCF-style: chr6-56553103-T-C. GRCh37 (hg19) VCF-style: chr6-56417901-T-C.
Other names: c.9332A>G, p.Asn3111Ser (NM_001144769.5); c.8918A>G, p.Asn2973Ser (NM_001144770.2); c.15689A>G, p.Asn5230Ser (NM_001374722.1); c.15056A>G, p.Asn5019Ser (NM_001374729.1); c.8798A>G, p.Asn2933Ser (NM_001374730.1, NM_001386100.1, NM_183380.4); c.15716A>G, p.Asn5239Ser (NM_001374734.1); c.7820A>G, p.Asn2607Ser (NM_015548.5); short protein forms N5019S, N2933S, N3111S, N5239S, N2973S, N5230S, N2607S.
Identifiers: ClinVar variation 1766601 (VCV001766601.6), dbSNP rs745992442, ClinGen allele CA3867785.